The following is an entry in ClinVar:

NM_003673.4(TCAP):c.26_33dup (p.Glu12fs)

Gene: TCAP (titin-cap; plus strand). Cytogenetic location: 17q12.
Variant type: Duplication.
Coding change: c.26_33dup on transcript NM_003673.4 (MANE Select); coding-DNA positions 26 to 33, 8 bases duplicated (AGGTGTCG; older notation c.26_33dupAGGTGTCG).
Protein change: p.Glu12fs; shifts the reading frame from glutamic acid 12.
Molecular consequence: frameshift variant.
Genome position (GRCh38, 1-based): chr17:39,665,385-39,665,392, AGGTGTCG duplicated; duplicating any 8 consecutive bases within chr17:39,665,383-39,665,392 gives the same sequence; the c. name uses the placement nearest the transcript's 3' end. VCF-style (leftmost placement, unchanged base first): chr17-39665382-G-GCGAGGTGT. GRCh37 (hg19) VCF-style: chr17-37821635-G-GCGAGGTGT.
Other names: c.26_33dupAGGTGTCG (NM_003673.3); c.26_33dup8 (NM_003673.3); short protein forms E12fs.
Identifiers: ClinVar variation 448649 (VCV000448649.17), dbSNP rs778568339, ClinGen allele CA8532818.
Genomic context (GRCh38, chr17:39,665,382, plus strand): 5'-TAAAGGGCCTGGGAGGGGAGAGAGAATGAGGAGTGATCATGGCTACCTCAGAGCTGAGCT[G>GCGAGGTGT]CGAGGTGTCGGAGGAGAACTGTGAGCGCCGGGAGGCCTTCTGGGCAGAATGGAAGGATCT-3'

ClinVar aggregate classification (germline): Pathogenic. Review status: criteria provided, multiple submitters, no conflicts (2 of 4 stars). 8 submissions from 8 submitters: Pathogenic (8). Last evaluated 2026-09-11.

Conditions:
Cardiovascular phenotype. Identifiers: MedGen CN230736.
TCAP-related disorder. Also called: TCAP-related condition.
Primary familial hypertrophic cardiomyopathy (HCM). Identifiers: Orphanet 99739, MedGen C0949658, MeSH D024741, MONDO:0024573. Inheritance: Various modes of inheritance.
Hypertrophic cardiomyopathy 25 (CMH25). Also called: CARDIOMYOPATHY, FAMILIAL HYPERTROPHIC, 25. Identifiers: MedGen C4225408, MONDO:0011843, OMIM 607487.
Autosomal recessive limb-girdle muscular dystrophy type 2G (LGMDR7). Also called: Limb-girdle muscular dystrophy, type 2G; Telethoninopathy; MUSCULAR DYSTROPHY, LIMB-GIRDLE, AUTOSOMAL RECESSIVE 7. Identifiers: Orphanet 34514, MedGen C1866008, MONDO:0011170, OMIM 601954.

Submissions (8):

PreventionGenetics, part of Exact Sciences
Classification: Pathogenic for TCAP-related condition. Last evaluated: 2026-09-11. Review status: criteria provided, single submitter. Criteria: ACMG Guidelines, 2015. Collection method: clinical testing. Allele origin: germline.
Comment: The TCAP c.26_33dup8 variant is predicted to result in a frameshift and premature protein termination (p.Glu12Argfs*20). This variant has been reported in many individuals with autosomal recessive limb-girdle muscular dystrophy (see for example: Liang et al. 2020. PubMed ID: 32576226; Chen et al. 2023. PubMed ID: 37066920). This variant is reported in 0.11% of alleles in individuals of East Asian descent in gnomAD. Frameshift variants in TCAP are expected to be pathogenic. This variant is interpreted as pathogenic for autosomal recessive TCAP-related disorders.

Medical and Scientific Branch, Hong Kong Genome Institute
Classification: Pathogenic for Autosomal recessive limb-girdle muscular dystrophy type 2G. Last evaluated: 2025-12-11. Review status: criteria provided, single submitter. Criteria: ACMG Guidelines, 2015. Collection method: clinical testing. Allele origin: germline. Affected: yes.

3billion
Classification: Pathogenic for Autosomal recessive limb-girdle muscular dystrophy type 2G. Last evaluated: 2025-11-05. Review status: criteria provided, single submitter. Criteria: ACMG Guidelines, 2015. Collection method: clinical testing. Allele origin: germline. Affected: yes.
Comment: The variant is observed at an extremely low frequency in the gnomAD v4.1.0 dataset (total allele frequency: 0.001%). Predicted Consequence/Location: Frameshift: predicted to result in a loss or disruption of normal protein function through nonsense-mediated decay (NMD) or protein truncation. Multiple pathogenic variants are reported downstream of the variant. The variant has been reported at least twice as pathogenic with clinical assertions and evidence for the classification (ClinVar ID: VCV000448649 /3billion dataset). Therefore, this variant is classified as Pathogenic according to the recommendation of ACMG/AMP guideline.

Labcorp Genetics (formerly Invitae), Labcorp
Classification: Pathogenic for Hypertrophic cardiomyopathy 25; Primary familial hypertrophic cardiomyopathy. Last evaluated: 2025-08-20. Review status: criteria provided, single submitter. Criteria: Invitae Variant Classification Sherloc (09022015). Collection method: clinical testing. Allele origin: germline.
Comment: This sequence change creates a premature translational stop signal (p.Glu12Argfs*20) in the TCAP gene. While this is not anticipated to result in nonsense mediated decay, it is expected to disrupt the last 156 amino acid(s) of the TCAP protein. This variant is present in population databases (rs778568339, gnomAD 0.1%). This premature translational stop signal has been observed in individual(s) with limb-girdle muscular dystrophy (PMID: 25055047, 27066551, 29797799). ClinVar contains an entry for this variant (Variation ID: 448649). This variant disrupts a region of the TCAP protein in which other variant(s) (p.Q53*) have been determined to be pathogenic (PMID: 10655062). This suggests that this is a clinically significant region of the protein, and that variants that disrupt it are likely to be disease-causing. For these reasons, this variant has been classified as Pathogenic.

Ambry Genetics
Classification: Pathogenic for Cardiovascular phenotype. Last evaluated: 2025-07-03. Review status: criteria provided, single submitter. Criteria: Ambry Variant Classification Scheme 2023. Collection method: clinical testing. Allele origin: germline.
Comment: The c.26_33dupAGGTGTCG pathogenic mutation, located in coding exon 1 of the TCAP gene, results from a duplication of AGGTGTCG at nucleotide position 26, causing a translational frameshift with a predicted alternate stop codon (p.E12Rfs*20). This alteration is not expected to trigger nonsense-mediated mRNA decay, and only impacts the last 156AA of the protein. However, premature stop codons are typically deleterious in nature and a significant portion of the protein is affected (Ambry internal data). This alteration has been reported as homozygous and compound heterozygous in numerous individuals with limb-girdle muscular dystrophy (LGMD) (Francis A et al. PLoS One, 2014 Jul;9:e102763; Tian X et al. Neurol Genet, 2015 Aug;1:e14; Liang WC et al. Orphanet J Rare Dis, 2020 Jun;15:160; Chen H et al. Neuromuscul Disord, 2020 Feb;30:137-143; Chen PS et al. J Neuromuscul Dis, 2023;10:667-684; Alaei Z et al. Eur J Med Res, 2023 Sep;28:376; Lin F et al. Orphanet J Rare Dis, 2023 Nov;18:356). This variant is considered to be rare based on population cohorts in the Genome Aggregation Database (gnomAD). Based on the supporting evidence, this alteration is interpreted as a disease-causing mutation.

GeneDx
Classification: Pathogenic. Last evaluated: 2018-03-14. Review status: criteria provided, single submitter. Criteria: GeneDx Variant Classification (06012015). Collection method: clinical testing. Allele origin: germline. Affected: yes.
Comment: The c.26_33dupAGGTGTCG variant in the TCAP gene has been reported in the homozygous state in a few unrelated individuals with LGMD2G (Waddell et a., 2012; Francis et al., 2014; Tian et al., 2015). This variant is not observed in large population cohorts (Lek et al., 2016). The c.26_33dupAGGTGTCG variant causes a shift in the reading frame starting at codon Glutamic acid 12, changing it to an Arginine, and creating a premature stop codon at position 20 of the new reading frame, denoted p.Glu12ArgfsX20. This variant is expected to result in a truncated protein product, in which the C-terminal 159 amino acids are replaced with 19 spurious amino acids. We interpret c.26_33dupAGGTGTCG as a pathogenic variant.

Athena Diagnostics
Classification: Pathogenic. Last evaluated: 2016-06-30. Review status: criteria provided, single submitter. Criteria: Athena Diagnostics Criteria. Collection method: clinical testing. Allele origin: germline.

Juno Genomics, Hangzhou Juno Genomics, Inc
Classification: Pathogenic for Autosomal recessive limb-girdle muscular dystrophy type 2G. Review status: criteria provided, single submitter. Criteria: ACMG Guidelines, 2015. Collection method: clinical testing. Allele origin: germline.
Comment: Absent from controls (or at extremely low frequency if recessive) in Genome Aggregation Database.;Null variant in a gene where loss of function (LOF) is a known mechanism of disease.;For recessive disorders, detected in trans with a pathogenic variant.

Literature cited by the submitters: PubMed 25055047 (cited by 3 submitters); PubMed 27066551 (cited by 3 submitters); PubMed 29797799 (cited by Labcorp Genetics (formerly Invitae), Labcorp); PubMed 10655062 (cited by Labcorp Genetics (formerly Invitae), Labcorp); PubMed 32005491 (cited by Ambry Genetics); PubMed 32576226 (cited by Ambry Genetics); PubMed 37066920 (cited by Ambry Genetics); PubMed 37752589 (cited by Ambry Genetics); PubMed 37974208 (cited by Ambry Genetics).